The following is an entry in ClinVar:

NM_206933.4(USH2A):c.6601C>T (p.Gln2201Ter)

Gene: USH2A (usherin; minus strand). Cytogenetic location: 1q41.
Variant type: single nucleotide variant.
Coding change: c.6601C>T on transcript NM_206933.4 (MANE Select); coding-DNA position 6601, C replaced by T.
Protein change: p.Gln2201Ter; replaces glutamine 2201 with a stop codon.
Molecular consequence: nonsense.
Genome position (GRCh38, 1-based): chr1:215,998,943, G>A on the plus strand (C>T on the coding strand, the complement: USH2A is on the minus strand). VCF-style: chr1-215998943-G-A. GRCh37 (hg19) VCF-style: chr1-216172285-G-A.
Other names: c.6601C>T (NM_206933.3); short protein forms Q2201*.
Identifiers: ClinVar variation 196933 (VCV000196933.27), dbSNP rs794727579, ClinGen allele CA275221.
Genomic context (GRCh38, chr1:215,998,943, plus strand): 5'-TTACTCCCAGCTTGATGAGATATTTATTACCAGGTAAAACGTATTGTAGCATATGATCCT[G>A]GAAAAGTTCTGTACTGTTATAGATGACACTCCAAATTGTAAAATCATGTGTATGGTTTGA-3'

ClinVar aggregate classification (germline): Pathogenic/Likely pathogenic. Review status: criteria provided, multiple submitters, no conflicts (2 of 4 stars). 8 submissions from 8 submitters: Pathogenic (7); Likely pathogenic (1). Last evaluated 2025-03-05.

Conditions:
USH2A-related disorder. Also called: USH2A-related condition; USH2A-related disorders. Identifiers: MedGen CN239332.
Usher syndrome type 2A. Also called: RETINAL DISEASE IN USHER SYNDROME TYPE IIA, MODIFIER OF; USHER SYNDROME, TYPE IIA. Identifiers: Orphanet 231178, Orphanet 886, MedGen C1848634, MONDO:0010169, OMIM 276901.
Retinitis pigmentosa 39 (RP39). Identifiers: Orphanet 791, MedGen C3151138, MONDO:0013436, OMIM 613809.

Submissions (8):

Revvity Omics, Revvity
Classification: Pathogenic. Last evaluated: 2025-03-05. Review status: criteria provided, single submitter. Criteria: ACMG Guidelines, 2015. Collection method: clinical testing. Allele origin: germline.

Natera, Inc.
Classification: Pathogenic for Usher syndrome type 2A. Last evaluated: 2024-10-13. Review status: criteria provided, single submitter. Criteria: Natera Variant Classification Schema (03/2026). Collection method: clinical testing. Allele origin: germline.
Comment: The c.6601C>T variant in USH2A is a nonsense variant predicted to introduce a stop codon at amino acid 2201. This variant is expected to result in nonsense mediated decay, truncation, or a dysfunctional protein product. This variant is rare in the general population with a frequency below the threshold expected for the associated phenotype(s). This variant has been observed in one or more individuals affected with the associated recessive disease, as either homozygous or compound heterozygous with a second variant (PMID: 29953849). Given the available evidence, this variant is classified as Pathogenic.

Labcorp Genetics (formerly Invitae), Labcorp
Classification: Pathogenic. Last evaluated: 2024-01-02. Review status: criteria provided, single submitter. Criteria: Invitae Variant Classification Sherloc (09022015). Collection method: clinical testing. Allele origin: germline.
Comment: This sequence change creates a premature translational stop signal (p.Gln2201*) in the USH2A gene. It is expected to result in an absent or disrupted protein product. Loss-of-function variants in USH2A are known to be pathogenic (PMID: 10729113, 10909849, 20507924, 25649381). This variant is not present in population databases (gnomAD no frequency). This premature translational stop signal has been observed in individual(s) with clinical features of Usher syndrome (PMID: 25425308, 29953849). ClinVar contains an entry for this variant (Variation ID: 196933). Algorithms developed to predict the effect of sequence changes on RNA splicing suggest that this variant may disrupt the consensus splice site. For these reasons, this variant has been classified as Pathogenic.

Genome-Nilou Lab
Classification: Likely pathogenic for Retinitis pigmentosa 39. Last evaluated: 2023-11-04. Review status: criteria provided, single submitter. Criteria: ACMG Guidelines, 2015. Collection method: clinical testing. Allele origin: germline. Affected: no.

Baylor Genetics
Classification: Pathogenic for Retinitis pigmentosa 39. Last evaluated: 2023-09-18. Review status: criteria provided, single submitter. Criteria: ACMG Guidelines, 2015. Collection method: clinical testing. Allele origin: unknown.

ARUP Laboratories, Molecular Genetics and Genomics, ARUP Laboratories
Classification: Pathogenic. Last evaluated: 2019-03-18. Review status: criteria provided, single submitter. Criteria: ARUP Molecular Germline Variant Investigation Process. Collection method: clinical testing. Allele origin: germline.
Comment: The USH2A c.6601C>T; p.Gln2201Ter variant (rs794727579), to our knowledge, is not reported in the medical literature. The variant is described as pathogenic in the ClinVar database (Variation ID: 196933) but is absent from general population databases (1000 Genomes Project, Exome Variant Server, and Genome Aggregation Database), indicating it is not a common polymorphism. This variant induces an early termination codon and is predicted to result in a truncated protein or mRNA subject to nonsense-mediated decay. USH2A variants that induce a premature termination codon are described as pathogenic in the ClinVar database (see link below). Considering available information, this variant is classified as pathogenic. References: Link to USH2A in ClinVar

Blueprint Genetics
Classification: Pathogenic for USH2A-related disorders. Last evaluated: 2019-01-31. Review status: criteria provided, single submitter. Criteria: ACMG Guidelines, 2015. Collection method: clinical testing. Allele origin: germline. Affected: yes. Observed: 1 variant allele.

Eurofins Ntd Llc (ga)
Classification: Pathogenic. Last evaluated: 2014-06-26. Review status: criteria provided, single submitter. Criteria: EGL Classification Definitions 2015. Collection method: clinical testing. Allele origin: germline. Observed: 1 variant allele, 1 heterozygote.

Literature cited by the submitters: PubMed 29953849 (cited by Natera, Inc. and Labcorp Genetics (formerly Invitae), Labcorp); PubMed 10729113 (cited by Labcorp Genetics (formerly Invitae), Labcorp); PubMed 10909849 (cited by Labcorp Genetics (formerly Invitae), Labcorp); PubMed 20507924 (cited by Labcorp Genetics (formerly Invitae), Labcorp); PubMed 25649381 (cited by Labcorp Genetics (formerly Invitae), Labcorp); PubMed 25425308 (cited by Labcorp Genetics (formerly Invitae), Labcorp).